The following is an entry in ClinVar:

ClinVar aggregate classification (germline): Uncertain significance. Review status: criteria provided, multiple submitters, no conflicts (2 of 4 stars). 2 submissions from 2 submitters: Uncertain significance (2). Last evaluated 2024-06-13.

gnomAD v4.1: 2 of 1,614,120 alleles (0.00012%); highest among the groups gnomAD compares: Admixed American, 0.0033%; no homozygotes.

Submissions (2):

GeneDx
Classification: Uncertain significance. Last evaluated: 2024-06-13. Review status: criteria provided, single submitter. Criteria: GeneDx Variant Classification Process June 2021. Collection method: clinical testing. Allele origin: germline. Affected: yes.
Comment: Not observed at significant frequency in large population cohorts (gnomAD); In silico analysis supports that this missense variant has a deleterious effect on protein structure/function; Has not been previously published as pathogenic or benign to our knowledge

Revvity Omics, Revvity
Classification: Uncertain significance. Last evaluated: 2019-07-03. Review status: criteria provided, single submitter. Criteria: ACMG Guidelines, 2015. Collection method: clinical testing. Allele origin: germline.

NM_182961.4(SYNE1):c.15476T>G (p.Ile5159Ser)

Gene: SYNE1 (spectrin repeat containing nuclear envelope protein 1; minus strand). Cytogenetic location: 6q25.2.
Variant type: single nucleotide variant.
Coding change: c.15476T>G on transcript NM_182961.4 (MANE Select); coding-DNA position 15476, T replaced by G.
Protein change: p.Ile5159Ser; replaces isoleucine 5159 with serine.
Molecular consequence: missense variant.
Genome position (GRCh38, 1-based): chr6:152,325,265, A>C on the plus strand (T>G on the coding strand, the complement: SYNE1 is on the minus strand). VCF-style: chr6-152325265-A-C. GRCh37 (hg19) VCF-style: chr6-152646400-A-C.
Other names: c.15263T>G, p.Ile5088Ser (NM_033071.5); short protein forms I5088S, I5159S.
Identifiers: ClinVar variation 2436538 (VCV002436538.4), dbSNP rs1474047577, ClinGen allele CA366091301.
Genomic context (GRCh38, chr6:152,325,265, plus strand): 5'-GCTTTGCTGGCATCATTTCCGGTTTTCTCCAGTTGTGAAGCTTTTTCCTCAAGGGCCACA[A>C]TTTTCTCATGGAAAGAGTTAACCACTGACACTAAAGCCTAGGGTTGGGGGTGGAGGACGG-3'
Protein context (NP_892006.3, residues 5149-5169): VSVVNSFHEK[Ile5159Ser]VALEEKASQL